The following is an entry in ClinVar:

NM_001876.4(CPT1A):c.1740+1G>A

Gene: CPT1A (carnitine palmitoyltransferase 1A; minus strand). Cytogenetic location: 11q13.3.
Variant type: single nucleotide variant.
Coding change: c.1740+1G>A on transcript NM_001876.4 (MANE Select); the canonical splice donor site of the intron after coding-DNA position 1740, G replaced by A.
Molecular consequence: splice donor variant.
Genome position (GRCh38, 1-based): chr11:68,773,264, C>T on the plus strand (G>A on the coding strand, the complement: CPT1A is on the minus strand). VCF-style: chr11-68773264-C-T. GRCh37 (hg19) VCF-style: chr11-68540732-C-T.
Other names: c.1740+1G>A (NM_001031847.3).
Identifiers: ClinVar variation 2746299 (VCV002746299.3), dbSNP rs1212529394, ClinGen allele CA381628426.
Genomic context (GRCh38, chr11:68,773,264, plus strand): 5'-TTGGGCAGGTGTAGGAACCCCCAAAGTGCTCACGACAAAACCCTAGGCGGTCAGTTCTTA[C>T]CTTGTAGTGCGCCAGCTGGAGGGCCAGCTGCACAAAGGCGTCTGGGCTCGTGCGACATTT-3'

ClinVar aggregate classification (germline): Likely pathogenic (1 of 4 stars; one submission).

Conditions:
Carnitine palmitoyl transferase 1A deficiency. Also called: CPT deficiency, hepatic, type IA; CPT I DEFICIENCY; CPT DEFICIENCY, HEPATIC, TYPE I; Carnitine palmitoyltransferase 1A deficiency; Carnitine palmitoyltransferase type I deficiency. Identifiers: Orphanet 156, MedGen C1829703, MONDO:0009705, OMIM 255120.

gnomAD v4.1: 1 of 1,614,008 alleles (0.000062%); highest among the groups gnomAD compares: Non-Finnish European, 0.000085%; no homozygotes.

Submission:

Labcorp Genetics (formerly Invitae), Labcorp
Classification: Likely pathogenic for Carnitine palmitoyl transferase 1A deficiency. Last evaluated: 2023-05-29. Review status: criteria provided, single submitter. Criteria: Invitae Variant Classification Sherloc (09022015). Collection method: clinical testing. Allele origin: germline.
Comment: In summary, the currently available evidence indicates that the variant is pathogenic, but additional data are needed to prove that conclusively. Therefore, this variant has been classified as Likely Pathogenic. Algorithms developed to predict the effect of sequence changes on RNA splicing suggest that this variant may disrupt the consensus splice site. This variant has not been reported in the literature in individuals affected with CPT1A-related conditions. This variant is not present in population databases (gnomAD no frequency). This sequence change affects a donor splice site in intron 14 of the CPT1A gene. It is expected to disrupt RNA splicing. Variants that disrupt the donor or acceptor splice site typically lead to a loss of protein function (PMID: 16199547), and loss-of-function variants in CPT1A are known to be pathogenic (PMID: 16169268).

Literature cited by the submitters: PubMed 16199547; PubMed 16169268.